The following is an entry in ClinVar:

NM_032043.3(BRIP1):c.3136G>A (p.Val1046Ile)

Gene: BRIP1 (BRCA1 interacting DNA helicase 1; minus strand). Cytogenetic location: 17q23.2.
Variant type: single nucleotide variant.
Coding change: c.3136G>A on transcript NM_032043.3 (MANE Select); coding-DNA position 3136, G replaced by A.
Protein change: p.Val1046Ile; replaces valine 1046 with isoleucine.
Molecular consequence: missense variant.
Genome position (GRCh38, 1-based): chr17:61,683,910, C>T on the plus strand (G>A on the coding strand, the complement: BRIP1 is on the minus strand). VCF-style: chr17-61683910-C-T. GRCh37 (hg19) VCF-style: chr17-59761271-C-T.
Other names: short protein forms V1046I.
Identifiers: ClinVar variation 461139 (VCV000461139.15), dbSNP rs1555572824, ClinGen allele CA400479601.

ClinVar aggregate classification (germline): Uncertain significance. Review status: criteria provided, multiple submitters, no conflicts (2 of 4 stars). 2 submissions from 2 submitters: Uncertain significance (2). Last evaluated 2024-10-29.

Conditions:
Hereditary cancer-predisposing syndrome. Also called: Hereditary neoplastic syndrome; Neoplastic Syndromes, Hereditary; Tumor predisposition; Hereditary Cancer Syndrome. Identifiers: Orphanet 140162, MedGen C0027672, MeSH D009386, MONDO:0015356.
Fanconi anemia complementation group J. Also called: BRIP1-Related Fanconi Anemia. Identifiers: Orphanet 84, MedGen C1836860, MONDO:0012187, OMIM 609054.
Familial cancer of breast. Also called: BREAST CANCER, FAMILIAL; hereditary breast carcinoma; Hereditary breast cancer. Identifiers: Orphanet 227535, MedGen C0346153, MONDO:0016419, OMIM 114480. Disease mechanism: loss of function.

Allele frequency attached by ClinVar (database versions not stated): gnomAD exomes below 0.00001.
gnomAD v4.1: 1 of 1,614,190 alleles (0.000062%); highest among the groups gnomAD compares: Non-Finnish European, 0.000085%; no homozygotes.

Submissions (2):

Ambry Genetics
Classification: Uncertain significance for Hereditary cancer-predisposing syndrome. Last evaluated: 2024-10-29. Review status: criteria provided, single submitter. Criteria: Ambry Variant Classification Scheme 2023. Collection method: clinical testing. Allele origin: germline.
Comment: The p.V1046I variant (also known as c.3136G>A), located in coding exon 19 of the BRIP1 gene, results from a G to A substitution at nucleotide position 3136. The valine at codon 1046 is replaced by isoleucine, an amino acid with highly similar properties. This amino acid position is not well conserved in available vertebrate species. In addition, this alteration is predicted to be tolerated by in silico analysis. Since supporting evidence is limited at this time, the clinical significance of this alteration remains unclear.

Labcorp Genetics (formerly Invitae), Labcorp
Classification: Uncertain significance for Familial cancer of breast; Fanconi anemia complementation group J. Last evaluated: 2017-03-09. Review status: criteria provided, single submitter. Criteria: Invitae Variant Classification Sherloc (09022015). Collection method: clinical testing. Allele origin: germline.
Comment: In summary, this variant is a novel missense change that is not predicted to affect protein function. There is no indication that it causes disease, but the available evidence is currently insufficient to prove that conclusively. Therefore, it has been classified as a Variant of Uncertain Significance. Algorithms developed to predict the effect of missense changes on protein structure and function (SIFT, PolyPhen-2, Align-GVGD) all suggest that this variant is likely to be tolerated, but these predictions have not been confirmed by published functional studies. This variant is not present in population databases (ExAC no frequency) and has not been reported in the literature in individuals with a BRIP1-related disease. This sequence change replaces valine with isoleucine at codon 1046 of the BRIP1 protein (p.Val1046Ile). The valine residue is weakly conserved and there is a small physicochemical difference between valine and isoleucine.